The following is an entry in ClinVar:

ClinVar aggregate classification (germline): Uncertain significance. Review status: criteria provided, multiple submitters, no conflicts (2 of 4 stars). 2 submissions from 2 submitters: Uncertain significance (2). Last evaluated 2026-09-04.

Conditions:
Hereditary cancer-predisposing syndrome. Also called: Neoplastic Syndromes, Hereditary; Hereditary Cancer Syndrome; Hereditary neoplastic syndrome; Tumor predisposition. Identifiers: Orphanet 140162, MedGen C0027672, MeSH D009386, MONDO:0015356.

Submissions (2):

Ambry Genetics
Classification: Uncertain significance for Hereditary cancer-predisposing syndrome. Last evaluated: 2026-09-04. Review status: criteria provided, single submitter. Criteria: Ambry Variant Classification Scheme 2023. Collection method: clinical testing. Allele origin: germline.
Comment: The c.1359+2C>T intronic variant results from a C to T substitution two nucleotides after coding exon 13 in the POLE gene. This nucleotide position is not well conserved in available vertebrate species. In silico splice site analysis predicts that this alteration will not have any significant effect on splicing. Based on the available evidence, the clinical significance of this variant remains unclear.

Labcorp Genetics (formerly Invitae), Labcorp
Classification: Uncertain significance. Last evaluated: 2018-09-12. Review status: criteria provided, single submitter. Criteria: Invitae Variant Classification Sherloc (09022015). Collection method: clinical testing. Allele origin: germline.
Comment: This sequence change falls in intron 13 of the POLE gene. It does not directly change the encoded amino acid sequence of the POLE protein, but it affects a nucleotide within the consensus splice site of the intron. In summary, the available evidence is currently insufficient to determine the role of this variant in disease. Therefore, it has been classified as a Variant of Uncertain Significance. Algorithms developed to predict the effect of sequence changes on RNA splicing suggest that this variant may create or strengthen a splice site, but this prediction has not been confirmed by published transcriptional studies. This variant has not been reported in the literature in individuals with POLE-related disease. This variant is not present in population databases (ExAC no frequency).

NM_006231.4(POLE):c.1359+2C>T

Gene: POLE (DNA polymerase epsilon, catalytic subunit; minus strand). Cytogenetic location: 12q24.33.
Variant type: single nucleotide variant.
Coding change: c.1359+2C>T on transcript NM_006231.4 (MANE Select); the canonical splice donor site of the intron after coding-DNA position 1359, C replaced by T.
Molecular consequence: splice donor variant.
Genome position (GRCh38, 1-based): chr12:132,673,573, G>A on the plus strand (C>T on the coding strand, the complement: POLE is on the minus strand). VCF-style: chr12-132673573-G-A. GRCh37 (hg19) VCF-style: chr12-133250159-G-A.
Other names: c.1359+2C>T (NM_006231.2).
Identifiers: ClinVar variation 647549 (VCV000647549.10), dbSNP rs1593073012, ClinGen allele CA387359036.